The following is an entry in ClinVar:

ClinVar aggregate classification (germline): Pathogenic. Review status: criteria provided, single submitter (1 of 4 stars). 2 submissions from 1 submitter: Pathogenic (2). Last evaluated 2016-12-20.

Conditions:
constitutional indocyanine green excretory defect.
Rotor syndrome (HBLRR). Also called: HYPERBILIRUBINEMIA, ROTOR TYPE, DIGENIC; HYPERBILIRUBINEMIA, ROTOR TYPE. Identifiers: Orphanet 3111, MedGen C0220991, MONDO:0009379, OMIM 237450.

Submissions (2):

Liver Center, Tokai University School of Medicine
Classification: Pathogenic for constitutional indocyanine green excretory defect. Last evaluated: 2016-12-20. Review status: criteria provided, single submitter. Criteria: ACMG Guidelines, 2015. Collection method: clinical testing. Allele origin: inherited. Inheritance: Autosomal recessive inheritance. Affected: yes. Observed: 4 variant alleles, 4 homozygotes.
Comment: All of four Japanese patients with constitutional indocyanine green (ICG) excretory defect, manifesting markedly impaired ICG clearance, had a homozygous insertion of ~6.1-kbp LINE-1 retrotranspozon (L1) in intron 5 of SLCO1B3 gene without any pathological variants in SLCO1B1 and SLC10A1 genes. Immunohistochemistry confirmed the absence of hepatic OATP1B3 expression. The allele frequency of this variant was 0.054 in a Japanese population. In summary, the L1 insertion in intron 5 of SLCO1B3 gene meets our criteria to be classified as pathogenic based upon segregation studies and functional analysis.

Liver Center, Tokai University School of Medicine
Classification: Pathogenic for Rotor syndrome. Last evaluated: 2014-08-19. Review status: criteria provided, single submitter. Criteria: ACMG Guidelines, 2015. Collection method: clinical testing, in vitro. Allele origin: germline, not applicable. Inheritance: Autosomal recessive inheritance. Affected: yes. Observed: 6 variant alleles, 6 homozygotes. Clinical features observed: Conjugated hyperbilirubinemia (HP:0002908). Functional consequence: loss_of_function_variant.
Comment: All of six Japanese patients with clinically diagnosed Rotor syndrome had a homozygous insertion of ~6.1-kbp LINE-1 retrotranspozon (L1) in intron 5 of SLCO1B3 gene along with a homozygous c.1738C>T (p.R580X) mutation in SLCO1B1 gene. Hepatic mRNA expression analysis revealed that L1 insertion in SLCO1B3 caused a skipping of exon 5 or exons 5-7, resulting in a premature stop codon that generated truncated protein. Immunohistochemistry confirmed the absence of hepatic OATP1B3 expression. The allele frequency of this variant was 0.054 in a Japanese population. In summary, the L1 insertion in intron 5 of SLCO1B3 gene meets our criteria to be classified as pathogenic based upon segregation studies and functional analysis.

Literature cited by the submitters: PubMed 27863442; PubMed 25546334.

NC_000012.11:g.21014093_21014094insLINE1

Gene: SLCO1B3 (solute carrier organic anion transporter family member 1B3; plus strand). Cytogenetic location: 12p12.2.
Variant type: Insertion.
Identifiers: ClinVar variation 977762 (VCV000977762.4).